The following is an entry in ClinVar:

NM_000038.6(APC):c.6220G>A (p.Glu2074Lys)

Gene: APC (APC regulator of Wnt signaling pathway; plus strand). Cytogenetic location: 5q22.2.
Variant type: single nucleotide variant.
Coding change: c.6220G>A on transcript NM_000038.6 (MANE Select); coding-DNA position 6220, G replaced by A.
Protein change: p.Glu2074Lys; replaces glutamic acid 2074 with lysine.
Molecular consequence: missense variant.
Genome position (GRCh38, 1-based): chr5:112,841,814, G>A. VCF-style: chr5-112841814-G-A. GRCh37 (hg19) VCF-style: chr5-112177511-G-A.
Other names: c.6220G>A, p.Glu2074Lys (NM_001127510.3, NM_001354895.2); c.6166G>A, p.Glu2056Lys (NM_001127511.3); c.6274G>A, p.Glu2092Lys (NM_001354896.2); c.6250G>A, p.Glu2084Lys (NM_001354897.2); c.6145G>A, p.Glu2049Lys (NM_001354898.2); c.6136G>A, p.Glu2046Lys (NM_001354899.2); c.6097G>A, p.Glu2033Lys (NM_001354900.2); c.6043G>A, p.Glu2015Lys (NM_001354901.2); and 5 more; short protein forms E2056K, E2074K, E1983K, E2033K, E1948K, E2084K, E2092K, E1791K.
Identifiers: ClinVar variation 419749 (VCV000419749.20), dbSNP rs1064794081, ClinGen allele CA16034954.

ClinVar aggregate classification (germline): Uncertain significance. Review status: criteria provided, multiple submitters, no conflicts (2 of 4 stars). 6 submissions from 6 submitters: Uncertain significance (6). Last evaluated 2024-06-09.

Conditions:
Hereditary cancer-predisposing syndrome. Also called: Hereditary neoplastic syndrome; Tumor predisposition; Neoplastic Syndromes, Hereditary; Hereditary Cancer Syndrome. Identifiers: Orphanet 140162, MedGen C0027672, MeSH D009386, MONDO:0015356.
Familial adenomatous polyposis 1 (FAP1). Also called: FAMILIAL ADENOMATOUS POLYPOSIS 1, ATTENUATED; POLYPOSIS, ADENOMATOUS INTESTINAL. Identifiers: MedGen C2713442, MONDO:0021056, OMIM 175100. Disease mechanism: loss of function.
Classic or attenuated familial adenomatous polyposis. Identifiers: MedGen CN372698, MONDO:0021057.

Allele frequency attached by ClinVar (database versions not stated): gnomAD exomes 0.00001.
gnomAD v4.1: 4 of 1,614,004 alleles (0.00025%); highest among the groups gnomAD compares: South Asian, 0.0011%; no homozygotes.

Submissions (6):

Labcorp Genetics (formerly Invitae), Labcorp
Classification: Uncertain significance for Familial adenomatous polyposis 1. Last evaluated: 2024-06-09. Review status: criteria provided, single submitter. Criteria: Invitae Variant Classification Sherloc (09022015). Collection method: clinical testing. Allele origin: germline.
Comment: This sequence change replaces glutamic acid, which is acidic and polar, with lysine, which is basic and polar, at codon 2074 of the APC protein (p.Glu2074Lys). This variant is not present in population databases (gnomAD no frequency). This variant has not been reported in the literature in individuals affected with APC-related conditions. ClinVar contains an entry for this variant (Variation ID: 419749). Advanced modeling of protein sequence and biophysical properties (such as structural, functional, and spatial information, amino acid conservation, physicochemical variation, residue mobility, and thermodynamic stability) performed at Invitae indicates that this missense variant is not expected to disrupt APC protein function with a negative predictive value of 95%. In summary, the available evidence is currently insufficient to determine the role of this variant in disease. Therefore, it has been classified as a Variant of Uncertain Significance.

Ambry Genetics
Classification: Uncertain significance for Hereditary cancer-predisposing syndrome. Last evaluated: 2024-02-16. Review status: criteria provided, single submitter. Criteria: Ambry Variant Classification Scheme 2023. Collection method: clinical testing. Allele origin: germline.
Comment: The p.E2074K variant (also known as c.6220G>A), located in coding exon 15 of the APC gene, results from a G to A substitution at nucleotide position 6220. The glutamic acid at codon 2074 is replaced by lysine, an amino acid with similar properties. This amino acid position is highly conserved in available vertebrate species. In addition, in silico predictors for this gene do not accurately predict pathogenicity. Based on the available evidence, the clinical significance of this alteration remains unclear.

All of Us Research Program, National Institutes of Health
Classification: Uncertain significance for Classic or attenuated familial adenomatous polyposis. Last evaluated: 2023-06-26. Review status: criteria provided, single submitter. Criteria: ACMG Guidelines, 2015. Collection method: clinical testing. Allele origin: germline. Inheritance: Autosomal dominant inheritance. Observed: 1 variant allele, 1 heterozygote.
Comment: This missense variant replaces glutamic acid with lysine at codon 2074 of the APC protein. Computational prediction is inconclusive regarding the impact of this variant on protein structure and function (internally defined REVEL score threshold 0.5 < inconclusive < 0.7, PMID: 27666373). Splice site prediction tools suggest that this variant may impact RNA splicing. To our knowledge, functional studies have not been reported for this variant. This variant has not been reported in individuals affected with APC-related disorders in the literature. This variant has not been identified in the general population by the Genome Aggregation Database (gnomAD). The available evidence is insufficient to determine the role of this variant in disease conclusively. Therefore, this variant is classified as a Variant of Uncertain Significance.

This study involves interpretation of variants in research participants for the purpose of population health screening. Participant phenotype was not available at the time of variant classification. Additional details can be found in publication PMID: 35346344, PMCID: PMC8962531

Color Diagnostics, LLC DBA Color Health
Classification: Uncertain significance for Hereditary cancer-predisposing syndrome. Last evaluated: 2023-06-01. Review status: criteria provided, single submitter. Criteria: ACMG Guidelines, 2015. Collection method: clinical testing. Allele origin: germline.
Comment: This missense variant replaces glutamic acid with lysine at codon 2074 of the APC protein. Computational prediction is inconclusive regarding the impact of this variant on protein structure and function (internally defined REVEL score threshold 0.5 < inconclusive < 0.7, PMID: 27666373). Splice site prediction tools suggest that this variant may impact RNA splicing. To our knowledge, functional studies have not been reported for this variant. This variant has not been reported in individuals affected with APC-related disorders in the literature. This variant has not been identified in the general population by the Genome Aggregation Database (gnomAD). The available evidence is insufficient to determine the role of this variant in disease conclusively. Therefore, this variant is classified as a Variant of Uncertain Significance.

Quest Diagnostics Nichols Institute San Juan Capistrano
Classification: Uncertain significance. Last evaluated: 2019-01-29. Review status: criteria provided, single submitter. Criteria: Quest Diagnostics criteria. Collection method: clinical testing. Allele origin: germline.

GeneDx
Classification: Uncertain significance. Last evaluated: 2015-08-22. Review status: criteria provided, single submitter. Criteria: GeneDx Variant Classification (06012015). Collection method: clinical testing. Allele origin: germline. Affected: yes.
Comment: This variant is denoted APC c.6220G>A at the cDNA level, p.Glu2074Lys (E2074K) at the protein level, and results in the change of a Glutamic Acid to a Lysine (GAA>AAA). This variant has not, to our knowledge, been published in the literature as pathogenic or benign. APC Glu2074Lys was not observed in approximately 6,500 individuals of European and African American ancestry in the NHLBI Exome Sequencing Project, indicating it is not a common benign variant in these populations. Since Glutamic Acid and Lysine differ in polarity, charge, size or other properties, this is considered a non-conservative amino acid substitution. APC Glu2074Lys occurs at a position that is not conserved and is not located in a known functional domain (Azzopardi 2008). In silico analyses predict that this variant is probably damaging to protein structure and function. Based on currently available information, it is unclear whether APC Glu2074Lys is pathogenic or benign. We consider it to be a variant of uncertain significance.